The following is an entry in ClinVar:

NM_001365536.1(SCN9A):c.2438G>A (p.Ser813Asn)

Genes: SCN1A-AS1 (SCN1A and SCN9A antisense RNA 1; plus strand), SCN9A (sodium voltage-gated channel alpha subunit 9; minus strand). Cytogenetic location: 2q24.3.
Variant type: single nucleotide variant.
Coding change: c.2438G>A on transcript NM_001365536.1 (MANE Select); coding-DNA position 2438, G replaced by A.
Protein change: p.Ser813Asn; replaces serine 813 with asparagine.
Molecular consequence: missense variant.
Genome position (GRCh38, 1-based): chr2:166,278,219, C>T on the plus strand (G>A on the coding strand, the complement: SCN9A is on the minus strand). VCF-style: chr2-166278219-C-T. GRCh37 (hg19) VCF-style: chr2-167134729-C-T.
Other names: c.2405G>A, p.Ser802Asn (NM_002977.4); short protein forms S802N, S813N.
Identifiers: ClinVar variation 1003532 (VCV001003532.9), dbSNP rs372823438, ClinGen allele CA1944274.

ClinVar aggregate classification (germline): Uncertain significance (1 of 4 stars; one submission).

Conditions:
Neuropathy, hereditary sensory and autonomic, type 2A (HSAN2A). Also called: HSAN IIA; MORVAN DISEASE; NEUROPATHY, CONGENITAL SENSORY; NEUROPATHY, HEREDITARY SENSORY RADICULAR, AUTOSOMAL RECESSIVE; NEUROPATHY, HEREDITARY SENSORY, TYPE IIA; NEUROPATHY, PROGRESSIVE SENSORY, OF CHILDREN. Identifiers: Orphanet 970, MedGen C2752089, MONDO:0024309, OMIM 201300.
Generalized epilepsy with febrile seizures plus, type 7 (GEFSP7). Also called: GEFS+, TYPE 7. Identifiers: Orphanet 36387, MedGen C2751778, MONDO:0013470, OMIM 613863.

Allele frequency attached by ClinVar (database versions not stated): ExAC 0.00001; gnomAD exomes 0.00001; TOPMed 0.00001; gnomAD 0.00002 and 0.00003; ESP Exome Variant Server 0.00008.

Submission:

Labcorp Genetics (formerly Invitae), Labcorp
Classification: Uncertain significance for Neuropathy, hereditary sensory and autonomic, type 2A; Generalized epilepsy with febrile seizures plus, type 7. Last evaluated: 2023-09-22. Review status: criteria provided, single submitter. Criteria: Invitae Variant Classification Sherloc (09022015). Collection method: clinical testing. Allele origin: germline.
Comment: This sequence change replaces serine, which is neutral and polar, with asparagine, which is neutral and polar, at codon 802 of the SCN9A protein (p.Ser802Asn). In summary, the available evidence is currently insufficient to determine the role of this variant in disease. Therefore, it has been classified as a Variant of Uncertain Significance. Advanced modeling of protein sequence and biophysical properties (such as structural, functional, and spatial information, amino acid conservation, physicochemical variation, residue mobility, and thermodynamic stability) performed at Invitae indicates that this missense variant is not expected to disrupt SCN9A protein function. ClinVar contains an entry for this variant (Variation ID: 1003532). This variant has not been reported in the literature in individuals affected with SCN9A-related conditions. This variant is present in population databases (rs372823438, gnomAD 0.01%).